The following is an entry in ClinVar:

ClinVar aggregate classification (germline): Uncertain significance (1 of 4 stars; one submission).

gnomAD v4.1: 11 of 1,613,600 alleles (0.00068%); highest among the groups gnomAD compares: African/African-American, 0.008%; no homozygotes.

Submission:

Labcorp Genetics (formerly Invitae), Labcorp
Classification: Uncertain significance. Last evaluated: 2023-06-10. Review status: criteria provided, single submitter. Criteria: Invitae Variant Classification Sherloc (09022015). Collection method: clinical testing. Allele origin: germline.
Comment: In summary, the available evidence is currently insufficient to determine the role of this variant in disease. Therefore, it has been classified as a Variant of Uncertain Significance. Algorithms developed to predict the effect of missense changes on protein structure and function output the following: SIFT: "Not Available"; PolyPhen-2: "Benign"; Align-GVGD: "Not Available". The serine amino acid residue is found in multiple mammalian species, which suggests that this missense change does not adversely affect protein function. This variant has not been reported in the literature in individuals affected with SPEG-related conditions. The frequency data for this variant in the population databases is considered unreliable, as metrics indicate poor data quality at this position in the gnomAD database. This sequence change replaces proline, which is neutral and non-polar, with serine, which is neutral and polar, at codon 2232 of the SPEG protein (p.Pro2232Ser).

NM_005876.5(SPEG):c.6694C>T (p.Pro2232Ser)

Genes: ASIC4-AS1 (ASIC4 antisense RNA 1; minus strand), SPEG (striated muscle enriched protein kinase; plus strand). Cytogenetic location: 2q35.
Variant type: single nucleotide variant.
Coding change: c.6694C>T on transcript NM_005876.5 (MANE Select); coding-DNA position 6694, C replaced by T.
Protein change: p.Pro2232Ser; replaces proline 2232 with serine.
Molecular consequence: missense variant.
Genome position (GRCh38, 1-based): chr2:219,484,157, C>T. VCF-style: chr2-219484157-C-T. GRCh37 (hg19) VCF-style: chr2-220348879-C-T.
Other names: short protein forms P2232S.
Identifiers: ClinVar variation 2987038 (VCV002987038.1), dbSNP rs371302780, ClinGen allele CA2127087.